The following is an entry in ClinVar:

NM_000548.5(TSC2):c.4823A>G (p.Tyr1608Cys)

Gene: TSC2 (TSC complex subunit 2; plus strand). Cytogenetic location: 16p13.3.
Variant type: single nucleotide variant.
Coding change: c.4823A>G on transcript NM_000548.5 (MANE Select); coding-DNA position 4823, A replaced by G.
Protein change: p.Tyr1608Cys; replaces tyrosine 1608 with cysteine.
Molecular consequence: missense variant.
Genome position (GRCh38, 1-based): chr16:2,086,353, A>G. VCF-style: chr16-2086353-A-G. GRCh37 (hg19) VCF-style: chr16-2136354-A-G.
Other names: c.4694A>G, p.Tyr1565Cys (NM_021055.3, NM_001370405.1); c.4622A>G, p.Tyr1541Cys (NM_001077183.3); c.4754A>G, p.Tyr1585Cys (NM_001114382.3); c.4514A>G, p.Tyr1505Cys (NM_001318827.2); c.4478A>G, p.Tyr1493Cys (NM_001318829.2); c.4091A>G, p.Tyr1364Cys (NM_001318831.2); c.4655A>G, p.Tyr1552Cys (NM_001318832.2); c.4625A>G, p.Tyr1542Cys (NM_001363528.2); and 1 more; short protein forms Y1608C, Y1493C, Y1505C, Y1542C, Y1364C, Y1552C, Y1564C, Y1565C.
Identifiers: ClinVar variation 468115 (VCV000468115.16), dbSNP rs759795928, ClinGen allele CA052633.

ClinVar aggregate classification (germline): Conflicting classifications of pathogenicity. Review status: criteria provided, conflicting classifications (1 of 4 stars). 3 submissions from 3 submitters: Uncertain significance (2); Likely benign (1). Last evaluated 2025-06-15.

Conditions:
Hereditary cancer-predisposing syndrome. Also called: Hereditary neoplastic syndrome; Neoplastic Syndromes, Hereditary; Tumor predisposition; Hereditary Cancer Syndrome. Identifiers: Orphanet 140162, MedGen C0027672, MeSH D009386, MONDO:0015356.
Tuberous sclerosis 2 (TSC2). Identifiers: Orphanet 805, MedGen C1860707, MONDO:0013199, OMIM 613254.

Allele frequency attached by ClinVar (database versions not stated): gnomAD exomes 0.00002; ExAC 0.00003.
gnomAD v4.1: 7 of 1,612,772 alleles (0.00043%); highest among the groups gnomAD compares: Non-Finnish European, 0.00059%; no homozygotes.

Submissions (3):

Labcorp Genetics (formerly Invitae), Labcorp
Classification: Likely benign for Tuberous sclerosis 2. Last evaluated: 2025-06-15. Review status: criteria provided, single submitter. Criteria: Invitae Variant Classification Sherloc (09022015). Collection method: clinical testing. Allele origin: germline.

Ambry Genetics
Classification: Uncertain significance for Hereditary cancer-predisposing syndrome. Last evaluated: 2025-03-12. Review status: criteria provided, single submitter. Criteria: Ambry Variant Classification Scheme 2023. Collection method: clinical testing. Allele origin: germline.
Comment: The p.Y1608C variant (also known as c.4823A>G), located in coding exon 36 of the TSC2 gene, results from an A to G substitution at nucleotide position 4823. The tyrosine at codon 1608 is replaced by cysteine, an amino acid with highly dissimilar properties. This amino acid position is highly conserved in available vertebrate species. In addition, this alteration is predicted to be deleterious by in silico analysis. Based on the available evidence, the clinical significance of this variant remains unclear.

GeneDx
Classification: Uncertain significance. Last evaluated: 2025-02-18. Review status: criteria provided, single submitter. Criteria: GeneDx Variant Classification Process June 2021. Collection method: clinical testing. Allele origin: germline. Affected: yes.
Comment: In silico analysis supports that this missense variant has a deleterious effect on protein structure/function; Has not been previously published as pathogenic or benign to our knowledge; This variant is associated with the following publications: (PMID: 18466115)